The following is an entry in ClinVar:

NM_006767.4(LZTR1):c.2406+4A>G

Gene: LZTR1 (leucine zipper like post translational regulator 1; plus strand). Cytogenetic location: 22q11.21.
Variant type: single nucleotide variant.
Coding change: c.2406+4A>G on transcript NM_006767.4 (MANE Select); 4 bases into the intron after coding-DNA position 2406, A replaced by G.
Molecular consequence: intron variant.
Genome position (GRCh38, 1-based): chr22:20,996,970, A>G. VCF-style: chr22-20996970-A-G. GRCh37 (hg19) VCF-style: chr22-21351259-A-G.
Other names: c.2406+4A>G (NM_006767.3).
Identifiers: ClinVar variation 2195105 (VCV002195105.5), dbSNP rs754886775, ClinGen allele CA10119389.

ClinVar aggregate classification (germline): Uncertain significance. Review status: criteria provided, multiple submitters, no conflicts (2 of 4 stars). 2 submissions from 2 submitters: Uncertain significance (2). Last evaluated 2026-07-30.

Conditions:
Hereditary cancer-predisposing syndrome. Also called: Tumor predisposition; Hereditary Cancer Syndrome; Hereditary neoplastic syndrome; Neoplastic Syndromes, Hereditary. Identifiers: Orphanet 140162, MedGen C0027672, MeSH D009386, MONDO:0015356.
Cardiovascular phenotype. Identifiers: MedGen CN230736.

Allele frequency attached by ClinVar (database versions not stated): gnomAD exomes 0.00001; TOPMed below 0.00001; ExAC 0.00001.
gnomAD v4.1: 12 of 1,613,574 alleles (0.00074%); highest among the groups gnomAD compares: Non-Finnish European, 0.00093%; no homozygotes.

Submissions (2):

Ambry Genetics
Classification: Uncertain significance for Cardiovascular phenotype; Hereditary cancer-predisposing syndrome. Last evaluated: 2026-07-30. Review status: criteria provided, single submitter. Criteria: Ambry Variant Classification Scheme 2023. Collection method: clinical testing. Allele origin: germline.
Comment: The c.2406+4A>G intronic variant results from an A to G substitution 4 nucleotides after coding exon 20 in the LZTR1 gene. This nucleotide position is not well conserved in available vertebrate species. In silico splice site analysis predicts that this alteration will not have any significant effect on splicing. Based on the available evidence, the clinical significance of this variant remains unclear.

Labcorp Genetics (formerly Invitae), Labcorp
Classification: Uncertain significance. Last evaluated: 2023-07-08. Review status: criteria provided, single submitter. Criteria: Invitae Variant Classification Sherloc (09022015). Collection method: clinical testing. Allele origin: germline.
Comment: In summary, the available evidence is currently insufficient to determine the role of this variant in disease. Therefore, it has been classified as a Variant of Uncertain Significance. Variants that disrupt the consensus splice site are a relatively common cause of aberrant splicing (PMID: 17576681, 9536098). Algorithms developed to predict the effect of sequence changes on RNA splicing suggest that this variant is not likely to affect RNA splicing. ClinVar contains an entry for this variant (Variation ID: 2195105). This variant has not been reported in the literature in individuals affected with LZTR1-related conditions. This variant is present in population databases (rs754886775, gnomAD 0.002%). This sequence change falls in intron 20 of the LZTR1 gene. It does not directly change the encoded amino acid sequence of the LZTR1 protein. It affects a nucleotide within the consensus splice site.

Literature cited by the submitters: PubMed 17576681 (cited by Labcorp Genetics (formerly Invitae), Labcorp); PubMed 9536098 (cited by Labcorp Genetics (formerly Invitae), Labcorp).